The following is an entry in ClinVar:

NM_006206.6(PDGFRA):c.990T>A (p.His330Gln)

Gene: PDGFRA (platelet derived growth factor receptor alpha; plus strand). Cytogenetic location: 4q12.
Variant type: single nucleotide variant.
Coding change: c.990T>A on transcript NM_006206.6 (MANE Select); coding-DNA position 990, T replaced by A.
Protein change: p.His330Gln; replaces histidine 330 with glutamine.
Molecular consequence: missense variant.
Genome position (GRCh38, 1-based): chr4:54,267,610, T>A. VCF-style: chr4-54267610-T-A. GRCh37 (hg19) VCF-style: chr4-55133777-T-A.
Other names: c.990T>A, p.His330Gln (NM_001347827.2, NM_001347829.2); c.1065T>A, p.His355Gln (NM_001347828.2); c.1029T>A, p.His343Gln (NM_001347830.2); short protein forms H355Q, H330Q, H343Q.
Identifiers: ClinVar variation 3706937 (VCV003706937.2).

ClinVar aggregate classification (germline): Uncertain significance (1 of 4 stars; one submission).

Conditions:
Gastrointestinal stromal tumor. Also called: Gastrointestinal stromal tumor, somatic; Gastrointestinal stroma tumor. Identifiers: Orphanet 44890, MedGen C0238198, MeSH D046152, MONDO:0011719, OMIM 606764, HP:0100723.

Submission:

Labcorp Genetics (formerly Invitae), Labcorp
Classification: Uncertain significance for Gastrointestinal stromal tumor. Last evaluated: 2025-06-30. Review status: criteria provided, single submitter. Criteria: Invitae Variant Classification Sherloc (09022015). Collection method: clinical testing. Allele origin: germline.
Comment: This sequence change replaces histidine, which is basic and polar, with glutamine, which is neutral and polar, at codon 330 of the PDGFRA protein (p.His330Gln). This variant is not present in population databases (gnomAD no frequency). This variant has not been reported in the literature in individuals affected with PDGFRA-related conditions. ClinVar contains an entry for this variant (Variation ID: 3706937). Invitae Evidence Modeling of protein sequence and biophysical properties (such as structural, functional, and spatial information, amino acid conservation, physicochemical variation, residue mobility, and thermodynamic stability) indicates that this missense variant is not expected to disrupt PDGFRA protein function with a negative predictive value of 80%. In summary, the available evidence is currently insufficient to determine the role of this variant in disease. Therefore, it has been classified as a Variant of Uncertain Significance.